The following is an entry in ClinVar:

NM_005562.3(LAMC2):c.136C>T (p.Gln46Ter)

Gene: LAMC2 (laminin subunit gamma 2; plus strand). Cytogenetic location: 1q25.3.
Variant type: single nucleotide variant.
Coding change: c.136C>T on transcript NM_005562.3 (MANE Select); coding-DNA position 136, C replaced by T.
Protein change: p.Gln46Ter; replaces glutamine 46 with a stop codon.
Molecular consequence: nonsense.
Genome position (GRCh38, 1-based): chr1:183,207,937, C>T. VCF-style: chr1-183207937-C-T. GRCh37 (hg19) VCF-style: chr1-183177072-C-T.
Other names: c.136C>T, p.Gln46Ter (NM_018891.3); c.136C>T (NM_005562.2); short protein forms Q46*.
Identifiers: ClinVar variation 1074699 (VCV001074699.12), dbSNP rs2102196403, ClinGen allele CA343669964.

ClinVar aggregate classification (germline): Pathogenic. Review status: criteria provided, multiple submitters, no conflicts (2 of 4 stars). 3 submissions from 3 submitters: Pathogenic (3). Last evaluated 2024-09-26.

Conditions:
Epidermolysis bullosa, junctional 3B, severe. Also called: EPIDERMOLYSIS BULLOSA, JUNCTIONAL 3B, GENERALIZED SEVERE; EPIDERMOLYSIS BULLOSA, JUNCTIONAL 3B, HERLITZ TYPE. Identifiers: MedGen C5676939, MONDO:0030749, OMIM 619786.

Submissions (3):

Revvity Omics, Revvity
Classification: Pathogenic. Last evaluated: 2024-09-26. Review status: criteria provided, single submitter. Criteria: ACMG Guidelines, 2015. Collection method: clinical testing. Allele origin: germline.

Genomic Medicine Center of Excellence, King Faisal Specialist Hospital and Research Centre
Classification: Pathogenic for Epidermolysis bullosa, junctional 3B, severe. Last evaluated: 2024-03-17. Review status: criteria provided, single submitter. Criteria: ACMG Guidelines, 2015. Collection method: research. Allele origin: germline.

Labcorp Genetics (formerly Invitae), Labcorp
Classification: Pathogenic. Last evaluated: 2020-09-01. Review status: criteria provided, single submitter. Criteria: Invitae Variant Classification Sherloc (09022015). Collection method: clinical testing. Allele origin: germline.
Comment: This sequence change creates a premature translational stop signal (p.Gln46*) in the LAMC2 gene. It is expected to result in an absent or disrupted protein product. This variant is not present in population databases (ExAC no frequency). For these reasons, this variant has been classified as Pathogenic. Loss-of-function variants in LAMC2 are known to be pathogenic (PMID: 11907499, 16473856). This variant has been observed in individual(s) with clinical features of junctional epidermolysis bullosa (PMID: 11907499).

Literature cited by the submitters: PubMed 11907499 (cited by Labcorp Genetics (formerly Invitae), Labcorp); PubMed 16473856 (cited by Labcorp Genetics (formerly Invitae), Labcorp).